The following is an entry in ClinVar:

NM_000206.3(IL2RG):c.653G>A (p.Arg218His)

Gene: IL2RG (interleukin 2 receptor subunit gamma; minus strand). Cytogenetic location: Xq13.1.
Variant type: single nucleotide variant.
Coding change: c.653G>A on transcript NM_000206.3 (MANE Select); coding-DNA position 653, G replaced by A.
Protein change: p.Arg218His; replaces arginine 218 with histidine.
Molecular consequence: missense variant.
Genome position (GRCh38, 1-based): chrX:71,109,332, C>T on the plus strand (G>A on the coding strand, the complement: IL2RG is on the minus strand). VCF-style: chrX-71109332-C-T. GRCh37 (hg19) VCF-style: chrX-70329182-C-T.
Other names: short protein forms R218H.
Identifiers: ClinVar variation 767477 (VCV000767477.12), dbSNP rs763721645, ClinGen allele CA10443830.
Genomic context (GRCh38, chrX:71,109,332, plus strand): 5'-CTCCAATGCTGAGCACTTCCACAGAGTGGGTTAAAGCGGCTCCGAACACGAAACGTGTAG[C>T]GTTTCTGCCCATCCACACTAGGCAAGGAGAACTTATGTCTATAATCCACTGATTGTTCCT-3'
Protein context (NP_000197.1, residues 208-228): FSLPSVDGQK[Arg218His]YTFRVRSRFN

ClinVar aggregate classification (germline): Conflicting classifications of pathogenicity. Review status: criteria provided, conflicting classifications (1 of 4 stars). 4 submissions from 4 submitters: Uncertain significance (1); Benign (1); Likely benign (2). Last evaluated 2026-07-03.

Conditions:
X-linked severe combined immunodeficiency (SCIDX1). Also called: T-B+ severe combined immunodeficiency due to gamma chain deficiency; IMMUNODEFICIENCY 4; SCID, X-LINKED; SEVERE COMBINED IMMUNODEFICIENCY, X-LINKED, T CELL-NEGATIVE, B CELL-POSITIVE, NK CELL-NEGATIVE; X-Linked Combined Immunodeficiency Diseases. Identifiers: Orphanet 276, MedGen C6022468, MONDO:0010315, OMIM 300400. Disease mechanism: loss of function.
IL2RG-related disorder. Also called: IL2RG-related condition.

Allele frequency attached by ClinVar (database versions not stated): ExAC 0.00001; gnomAD exomes 0.00001 and 0.00003; TOPMed 0.00003; gnomAD 0.00004 and 0.00005.
gnomAD v4.1: 16 of 1,208,505 alleles (0.0013%); highest among the groups gnomAD compares: Admixed American, 0.0044%; no homozygotes.

Submissions (4):

PreventionGenetics, part of Exact Sciences
Classification: Likely benign for IL2RG-related condition. Last evaluated: 2026-07-03. Review status: criteria provided, single submitter. Criteria: ACMG Guidelines, 2015. Collection method: clinical testing. Allele origin: germline.
Comment: This variant is classified as likely benign based on ACMG/AMP sequence variant interpretation guidelines (Richards et al. 2015 PMID: 25741868, with internal and published modifications).

Women's Health and Genetics/Laboratory Corporation of America, LabCorp
Classification: Uncertain significance. Last evaluated: 2026-02-10. Review status: criteria provided, single submitter. Criteria: LabCorp Variant Classification Summary - May 2015. Collection method: clinical testing. Allele origin: germline.
Comment: Variant summary: IL2RG c.653G>A (p.Arg218His) results in a non-conservative amino acid change in the encoded protein sequence. Algorithms developed to predict the effect of missense changes on protein structure and function are either unavailable or do not agree on the potential impact of this missense change. The variant allele was found at a frequency of 2.7e-05 in 183351 control chromosomes. The available data on variant occurrences in the general population are insufficient to allow any conclusion about variant significance. c.653G>A has been observed in at least one individual affected with X-linked severe combined immunodeficiency (e.g. Dvorak_2014). These report(s) do not provide unequivocal conclusions about association of the variant with X-linked severe combined immunodeficiency. To our knowledge, no experimental evidence demonstrating an impact on protein function has been reported. The following publication has been ascertained in the context of this evaluation (PMID: 25109802). ClinVar contains an entry for this variant (Variation ID: 767477). Based on the evidence outlined above, the variant was classified as uncertain significance.

Labcorp Genetics (formerly Invitae), Labcorp
Classification: Benign for X-linked severe combined immunodeficiency. Last evaluated: 2024-02-22. Review status: criteria provided, single submitter. Criteria: Invitae Variant Classification Sherloc (09022015). Collection method: clinical testing. Allele origin: germline.

Blueprint Genetics
Classification: Likely benign. Last evaluated: 2021-05-27. Review status: criteria provided, single submitter. Criteria: ACMG Guidelines, 2015. Collection method: clinical testing. Allele origin: germline.

Literature cited by the submitters: PubMed 25109802 (cited by Women's Health and Genetics/Laboratory Corporation of America, LabCorp).